The following is an entry in ClinVar:

NM_020376.4(PNPLA2):c.1336G>C (p.Gly446Arg)

Gene: PNPLA2 (patatin like domain 2, triacylglycerol lipase; plus strand). Cytogenetic location: 11p15.5.
Variant type: single nucleotide variant.
Coding change: c.1336G>C on transcript NM_020376.4 (MANE Select); coding-DNA position 1336, G replaced by C.
Protein change: p.Gly446Arg; replaces glycine 446 with arginine.
Molecular consequence: missense variant.
Genome position (GRCh38, 1-based): chr11:824,683, G>C. VCF-style: chr11-824683-G-C. GRCh37 (hg19) VCF-style: chr11-824683-G-C.
Other names: c.1336G>C (NM_020376.3); short protein forms G446R.
Identifiers: ClinVar variation 1981970 (VCV001981970.5), dbSNP rs368507289, ClinGen allele CA5791375.

ClinVar aggregate classification (germline): Uncertain significance. Review status: criteria provided, multiple submitters, no conflicts (2 of 4 stars). 2 submissions from 2 submitters: Uncertain significance (2). Last evaluated 2024-10-12.

Conditions:
Inborn genetic diseases. Identifiers: MedGen C0950123, MeSH D030342.
Neutral lipid storage myopathy (NLSDM). Also called: NEUTRAL LIPID STORAGE DISEASE WITHOUT ICHTHYOSIS. Identifiers: Orphanet 98908, MedGen C1853136, MONDO:0012545, OMIM 610717.

Allele frequency attached by ClinVar (database versions not stated): ExAC 0.00001.

Submissions (2):

Ambry Genetics
Classification: Uncertain significance for Inborn genetic diseases. Last evaluated: 2024-10-12. Review status: criteria provided, single submitter. Criteria: Ambry Variant Classification Scheme 2023. Collection method: clinical testing. Allele origin: germline.

Labcorp Genetics (formerly Invitae), Labcorp
Classification: Uncertain significance for Neutral lipid storage myopathy. Last evaluated: 2022-04-04. Review status: criteria provided, single submitter. Criteria: Invitae Variant Classification Sherloc (09022015). Collection method: clinical testing. Allele origin: germline.
Comment: In summary, the available evidence is currently insufficient to determine the role of this variant in disease. Therefore, it has been classified as a Variant of Uncertain Significance. Algorithms developed to predict the effect of missense changes on protein structure and function are either unavailable or do not agree on the potential impact of this missense change (SIFT: "Deleterious"; PolyPhen-2: "Probably Damaging"; Align-GVGD: "Class C0"). This variant has not been reported in the literature in individuals affected with PNPLA2-related conditions. The frequency data for this variant in the population databases is considered unreliable, as metrics indicate poor data quality at this position in the gnomAD database. This sequence change replaces glycine, which is neutral and non-polar, with arginine, which is basic and polar, at codon 446 of the PNPLA2 protein (p.Gly446Arg).